The following is an entry in ClinVar:

NM_182961.4(SYNE1):c.19573-12G>C

Gene: SYNE1 (spectrin repeat containing nuclear envelope protein 1; minus strand). Cytogenetic location: 6q25.2.
Variant type: single nucleotide variant.
Coding change: c.19573-12G>C on transcript NM_182961.4 (MANE Select); 12 bases into the intron before coding-DNA position 19573, G replaced by C.
Molecular consequence: intron variant.
Genome position (GRCh38, 1-based): chr6:152,244,668, C>G on the plus strand (G>C on the coding strand, the complement: SYNE1 is on the minus strand). VCF-style: chr6-152244668-C-G. GRCh37 (hg19) VCF-style: chr6-152565803-C-G.
Other names: c.19360-12G>C (NM_033071.5).
Identifiers: ClinVar variation 383216 (VCV000383216.8), dbSNP rs200455883, ClinGen allele CA4054631.
Genomic context (GRCh38, chr6:152,244,668, plus strand): 5'-TGATTCCTGCATCAAATTCTTTGAGTCCATCTTCAGCCTGTTGTATTGCCTAAGTAAGAT[C>G]CATGACATTTTATTAAAACTCCCATGAACAATTTCCCCACGGAAGATGTGATTATTGTAT-3'

ClinVar aggregate classification (germline): Likely benign. Review status: criteria provided, multiple submitters, no conflicts (2 of 4 stars). 2 submissions from 2 submitters: Likely benign (2). Last evaluated 2024-08-06.

Conditions:
Emery-Dreifuss muscular dystrophy 4, autosomal dominant (EDMD4). Also called: EMERY-DREIFUSS MUSCULAR DYSTROPHY 4 WITH VARIABLE FEATURES. Identifiers: Orphanet 261, MedGen C2751807, MONDO:0013071, OMIM 612998.
Autosomal recessive ataxia, Beauce type. Also called: ATAXIA, RECESSIVE, OF BEAUCE; SYNE1-Related Autosomal Recessive Cerebellar Ataxia; Spinocerebellar ataxia, autosomal recessive 8; SYNE1 Deficiency. Identifiers: Orphanet 88644, MedGen C1853116, MONDO:0012549, OMIM 610743.

Allele frequency attached by ClinVar (database versions not stated): gnomAD 0.00015; 1000 Genomes Project 0.00020; TOPMed 0.00020; 1000 Genomes Project 30x 0.00031.
gnomAD v4.1: 272 of 1,613,768 alleles (0.017%); highest among the groups gnomAD compares: Admixed American, 0.022%; 1 homozygote.

Submissions (2):

Labcorp Genetics (formerly Invitae), Labcorp
Classification: Likely benign for Emery-Dreifuss muscular dystrophy 4, autosomal dominant; Autosomal recessive ataxia, Beauce type. Last evaluated: 2024-08-06. Review status: criteria provided, single submitter. Criteria: Invitae Variant Classification Sherloc (09022015). Collection method: clinical testing. Allele origin: germline.

GeneDx
Classification: Likely benign. Last evaluated: 2016-10-26. Review status: criteria provided, single submitter. Criteria: GeneDx Variant Classification (06012015). Collection method: clinical testing. Allele origin: germline. Affected: yes.
Comment: This variant is considered likely benign or benign based on one or more of the following criteria: it is a conservative change, it occurs at a poorly conserved position in the protein, it is predicted to be benign by multiple in silico algorithms, and/or has population frequency not consistent with disease.